The following is an entry in ClinVar:

ClinVar aggregate classification (germline): Uncertain significance. Review status: criteria provided, multiple submitters, no conflicts (2 of 4 stars). 2 submissions from 2 submitters: Uncertain significance (2). Last evaluated 2025-01-29.

Conditions:
Hereditary cancer-predisposing syndrome. Also called: Neoplastic Syndromes, Hereditary; Tumor predisposition; Hereditary Cancer Syndrome; Hereditary neoplastic syndrome. Identifiers: Orphanet 140162, MedGen C0027672, MeSH D009386, MONDO:0015356.
Familial adenomatous polyposis 1 (FAP1). Also called: FAMILIAL ADENOMATOUS POLYPOSIS 1, ATTENUATED; POLYPOSIS, ADENOMATOUS INTESTINAL. Identifiers: MedGen C2713442, MONDO:0021056, OMIM 175100. Disease mechanism: loss of function.

gnomAD v4.1: 2 of 1,613,936 alleles (0.00012%); highest among the groups gnomAD compares: Non-Finnish European, 0.00017%; no homozygotes.

Submissions (2):

Labcorp Genetics (formerly Invitae), Labcorp
Classification: Uncertain significance for Familial adenomatous polyposis 1. Last evaluated: 2025-01-29. Review status: criteria provided, single submitter. Criteria: Invitae Variant Classification Sherloc (09022015). Collection method: clinical testing. Allele origin: germline.
Comment: This sequence change replaces leucine, which is neutral and non-polar, with valine, which is neutral and non-polar, at codon 2078 of the APC protein (p.Leu2078Val). This variant is not present in population databases (gnomAD no frequency). This variant has not been reported in the literature in individuals affected with APC-related conditions. ClinVar contains an entry for this variant (Variation ID: 187281). Invitae Evidence Modeling of protein sequence and biophysical properties (such as structural, functional, and spatial information, amino acid conservation, physicochemical variation, residue mobility, and thermodynamic stability) indicates that this missense variant is not expected to disrupt APC protein function with a negative predictive value of 95%. In summary, the available evidence is currently insufficient to determine the role of this variant in disease. Therefore, it has been classified as a Variant of Uncertain Significance.

Ambry Genetics
Classification: Uncertain significance for Hereditary cancer-predisposing syndrome. Last evaluated: 2014-12-02. Review status: criteria provided, single submitter. Criteria: Ambry Variant Classification Scheme 2023. Collection method: clinical testing. Allele origin: germline.
Comment: The p.L2078V variant (also known as c.6232C>G), located in coding exon 15 of the APC gene, results from a C to G substitution at nucleotide position 6232. The leucine at codon 2078 is replaced by valine, an amino acid with highly similar properties. This variant was not reported in population based cohorts in the following databases: Database of Single Nucleotide Polymorphisms (dbSNP), NHLBI Exome Sequencing Project (ESP), and 1000 Genomes Project. In the ESP, this variant was not observed in 6502 samples (13004 alleles) with coverage at this position. To date, this alteration has been detected with an allele frequency of approximately 0.01% (greater than 13000 alleles tested) in our clinical cohort. This amino acid position is highly conserved in available vertebrate species. In addition, in silico predictors for this gene do not accurately predict pathogenicity. Since supporting evidence is limited at this time, the clinical significance of p.L2078V remains unclear.

NM_000038.6(APC):c.6232C>G (p.Leu2078Val)

Gene: APC (APC regulator of Wnt signaling pathway; plus strand). Cytogenetic location: 5q22.2.
Variant type: single nucleotide variant.
Coding change: c.6232C>G on transcript NM_000038.6 (MANE Select); coding-DNA position 6232, C replaced by G.
Protein change: p.Leu2078Val; replaces leucine 2078 with valine.
Molecular consequence: missense variant.
Genome position (GRCh38, 1-based): chr5:112,841,826, C>G. VCF-style: chr5-112841826-C-G. GRCh37 (hg19) VCF-style: chr5-112177523-C-G.
Other names: c.6232C>G, p.Leu2078Val (NM_001127510.3, NM_001354895.2); c.6178C>G, p.Leu2060Val (NM_001127511.3); c.6286C>G, p.Leu2096Val (NM_001354896.2); c.6262C>G, p.Leu2088Val (NM_001354897.2); c.6157C>G, p.Leu2053Val (NM_001354898.2); c.6148C>G, p.Leu2050Val (NM_001354899.2); c.6109C>G, p.Leu2037Val (NM_001354900.2); c.6055C>G, p.Leu2019Val (NM_001354901.2); and 5 more; short protein forms L2060V, L2078V, L2088V, L2096V, L1952V, L1795V, L1987V, L2037V.
Identifiers: ClinVar variation 187281 (VCV000187281.7), dbSNP rs786203610, ClinGen allele CA011038.
Genomic context (GRCh38, chr5:112,841,826, plus strand): 5'-GGTGATAATGAAAAACATAGTCCCAGAAATATGGGTGGCATATTAGGTGAAGATCTGACA[C>G]TTGATTTGAAAGATATACAGAGACCAGATTCAGAACATGGTCTATCCCCTGATTCAGAAA-3'
Protein context (NP_000029.2, residues 2068-2088): MGGILGEDLT[Leu2078Val]DLKDIQRPDS